The following is an entry in ClinVar:

NM_001852.4(COL9A2):c.579G>A (p.Gly193=)

Gene: COL9A2 (collagen type IX alpha 2 chain; minus strand). Cytogenetic location: 1p34.2.
Variant type: single nucleotide variant.
Coding change: c.579G>A on transcript NM_001852.4 (MANE Select); coding-DNA position 579, G replaced by A.
Protein change: p.Gly193=; no amino-acid change (glycine 193 retained).
Molecular consequence: synonymous variant.
Genome position (GRCh38, 1-based): chr1:40,311,144, C>T on the plus strand (G>A on the coding strand, the complement: COL9A2 is on the minus strand). VCF-style: chr1-40311144-C-T. GRCh37 (hg19) VCF-style: chr1-40776816-C-T.
Other names: c.579G>A (NM_001852.3).
Identifiers: ClinVar variation 1564043 (VCV001564043.10), dbSNP rs757450923, ClinGen allele CA791845.

ClinVar aggregate classification (germline): Likely benign. Review status: criteria provided, multiple submitters, no conflicts (2 of 4 stars). 3 submissions from 3 submitters: Likely benign (3). Last evaluated 2026-02-10.

Conditions:
COL9A2-related disorder. Also called: COL9A2-related condition.

Allele frequency attached by ClinVar (database versions not stated): gnomAD exomes 0.00001 and 0.00003; ExAC 0.00002; gnomAD 0.00011 and 0.00012; TOPMed 0.00011.
gnomAD v4.1: 30 of 1,614,114 alleles (0.0019%); highest among the groups gnomAD compares: African/African-American, 0.035%; no homozygotes.

Submissions (3):

PreventionGenetics, part of Exact Sciences
Classification: Likely benign for COL9A2-related condition. Last evaluated: 2026-02-10. Review status: criteria provided, single submitter. Criteria: ACMG Guidelines, 2015. Collection method: clinical testing. Allele origin: germline.
Comment: This variant is classified as likely benign based on ACMG/AMP sequence variant interpretation guidelines (Richards et al. 2015 PMID: 25741868, with internal and published modifications).

Labcorp Genetics (formerly Invitae), Labcorp
Classification: Likely benign. Last evaluated: 2025-12-08. Review status: criteria provided, single submitter. Criteria: Invitae Variant Classification Sherloc (09022015). Collection method: clinical testing. Allele origin: germline.

Blueprint Genetics
Classification: Likely benign. Last evaluated: 2024-03-09. Review status: criteria provided, single submitter. Criteria: ACMG Guidelines, 2015. Collection method: clinical testing. Allele origin: germline.